The following is an entry in ClinVar:

NM_000057.4(BLM):c.3867A>G (p.Thr1289=)

Gene: BLM (BLM RecQ like helicase; plus strand). Cytogenetic location: 15q26.1.
Variant type: single nucleotide variant.
Coding change: c.3867A>G on transcript NM_000057.4 (MANE Select); coding-DNA position 3867, A replaced by G.
Protein change: p.Thr1289=; no amino-acid change (threonine 1289 retained).
Molecular consequence: synonymous variant.
Genome position (GRCh38, 1-based): chr15:90,809,252, A>G. VCF-style: chr15-90809252-A-G. GRCh37 (hg19) VCF-style: chr15-91352482-A-G.
Other names: c.3867A>G, p.Thr1289= (NM_001287246.2); c.3474A>G, p.Thr1158= (NM_001287247.2); c.2742A>G, p.Thr914= (NM_001287248.2).
Identifiers: ClinVar variation 524822 (VCV000524822.19), dbSNP rs759000443, ClinGen allele CA7739122.

ClinVar aggregate classification (germline): Likely benign. Review status: criteria provided, multiple submitters, no conflicts (2 of 4 stars). 5 submissions from 5 submitters: Likely benign (3). 2 of the submissions do not count toward it. Last evaluated 2025-12-21.

Conditions:
Hereditary cancer-predisposing syndrome. Also called: Neoplastic Syndromes, Hereditary; Hereditary neoplastic syndrome; Tumor predisposition; Hereditary Cancer Syndrome. Identifiers: Orphanet 140162, MedGen C0027672, MeSH D009386, MONDO:0015356.
BLM-related disorder. Also called: BLM-related condition.
Bloom syndrome (BLM). Also called: Bloom-Torre-Machacek syndrome. Identifiers: Orphanet 125, MedGen C0005859, MONDO:0008876, OMIM 210900.

Allele frequency attached by ClinVar (database versions not stated): gnomAD 0.00001; gnomAD exomes 0.00001 and 0.00006; ExAC 0.00008; TOPMed 0.00009.
gnomAD v4.1: 20 of 1,614,098 alleles (0.0012%); highest among the groups gnomAD compares: Admixed American, 0.02%; no homozygotes.

Submissions (5):

Labcorp Genetics (formerly Invitae), Labcorp
Classification: Likely benign for Bloom syndrome. Last evaluated: 2025-12-21. Review status: criteria provided, single submitter. Criteria: Invitae Variant Classification Sherloc (09022015). Collection method: clinical testing. Allele origin: germline.

Quest Diagnostics Nichols Institute San Juan Capistrano
Classification: Likely benign. Last evaluated: 2023-01-17. Review status: criteria provided, single submitter. Criteria: Quest Diagnostics criteria. Collection method: clinical testing. Allele origin: unknown.

Ambry Genetics
Classification: Likely benign for Hereditary cancer-predisposing syndrome. Last evaluated: 2018-06-19. Review status: criteria provided, single submitter. Criteria: Ambry Variant Classification Scheme 2023. Collection method: clinical testing. Allele origin: germline.

PreventionGenetics, part of Exact Sciences
Classification: Likely benign for BLM-related condition. Last evaluated: 2022-01-31. Review status: no assertion criteria provided. Collection method: clinical testing. Allele origin: germline. Not counted in ClinVar's aggregate classification.
Comment: This variant is classified as likely benign based on ACMG/AMP sequence variant interpretation guidelines (Richards et al. 2015 PMID: 25741868, with internal and published modifications).

Natera, Inc.
Classification: Likely benign for Bloom syndrome. Last evaluated: 2020-09-16. Review status: no assertion criteria provided. Collection method: clinical testing. Allele origin: germline. Not counted in ClinVar's aggregate classification.